The following is an entry in ClinVar:

ClinVar aggregate classification (germline): Uncertain significance (1 of 4 stars; one submission).

Conditions:
TET3-related disorder. Also called: TET3-related condition; TET3-Related Disease.

Allele frequency attached by ClinVar (database versions not stated): gnomAD exomes below 0.00001.
gnomAD v4.1: 2 of 1,614,008 alleles (0.00012%); highest among the groups gnomAD compares: Non-Finnish European, 0.000085%; no homozygotes.

Submission:

PreventionGenetics, part of Exact Sciences
Classification: Uncertain significance for TET3-related condition. Last evaluated: 2023-06-27. Review status: criteria provided, single submitter. Criteria: ACMG Guidelines, 2015. Collection method: clinical testing. Allele origin: germline.
Comment: The TET3 c.1356G>A variant is predicted to result in the amino acid substitution p.Met452Ile. To our knowledge, this variant has not been reported in the literature or in a large population database, indicating this variant is rare. At this time, the clinical significance of this variant is uncertain due to the absence of conclusive functional and genetic evidence.

NM_001287491.2(TET3):c.1356G>A (p.Met452Ile)

Gene: TET3 (tet methylcytosine dioxygenase 3; plus strand). Cytogenetic location: 2p13.1.
Variant type: single nucleotide variant.
Coding change: c.1356G>A on transcript NM_001287491.2 (MANE Select); coding-DNA position 1356, G replaced by A.
Protein change: p.Met452Ile; replaces methionine 452 with isoleucine.
Molecular consequence: missense variant.
Genome position (GRCh38, 1-based): chr2:74,047,273, G>A. VCF-style: chr2-74047273-G-A. GRCh37 (hg19) VCF-style: chr2-74274400-G-A.
Other names: c.1077G>A, p.Met359Ile (NM_001366022.1); c.951G>A, p.Met317Ile (NM_144993.1); short protein forms M317I, M359I, M452I.
Identifiers: ClinVar variation 2633336 (VCV002633336.1), dbSNP rs2467434941, ClinGen allele CA347327542.